The following is an entry in ClinVar:

NM_018117.12(WDR11):c.59A>G (p.Asn20Ser)

Gene: WDR11 (WD repeat domain 11; plus strand). Cytogenetic location: 10q26.12.
Variant type: single nucleotide variant.
Coding change: c.59A>G on transcript NM_018117.12 (MANE Select); coding-DNA position 59, A replaced by G.
Protein change: p.Asn20Ser; replaces asparagine 20 with serine.
Molecular consequence: missense variant.
Genome position (GRCh38, 1-based): chr10:120,851,479, A>G. VCF-style: chr10-120851479-A-G. GRCh37 (hg19) VCF-style: chr10-122610991-A-G.
Other names: short protein forms N20S.
Identifiers: ClinVar variation 2770853 (VCV002770853.3), dbSNP rs2493226487, ClinGen allele CA378314410.

ClinVar aggregate classification (germline): Uncertain significance (1 of 4 stars; one submission).

Submission:

Labcorp Genetics (formerly Invitae), Labcorp
Classification: Uncertain significance. Last evaluated: 2024-10-23. Review status: criteria provided, single submitter. Criteria: Invitae Variant Classification Sherloc (09022015). Collection method: clinical testing. Allele origin: germline.
Comment: This sequence change replaces asparagine, which is neutral and polar, with serine, which is neutral and polar, at codon 20 of the WDR11 protein (p.Asn20Ser). This variant is not present in population databases (gnomAD no frequency). This variant has not been reported in the literature in individuals affected with WDR11-related conditions. An algorithm developed to predict the effect of missense changes on protein structure and function outputs the following: PolyPhen-2: "Benign". The serine amino acid residue is found in multiple mammalian species, which suggests that this missense change does not adversely affect protein function. In summary, the available evidence is currently insufficient to determine the role of this variant in disease. Therefore, it has been classified as a Variant of Uncertain Significance.